The following is an entry in ClinVar:

ClinVar aggregate classification (germline): Uncertain significance (1 of 4 stars; one submission).

Submission:

Labcorp Genetics (formerly Invitae), Labcorp
Classification: Uncertain significance. Last evaluated: 2023-07-29. Review status: criteria provided, single submitter. Criteria: Invitae Variant Classification Sherloc (09022015). Collection method: clinical testing. Allele origin: germline.
Comment: In summary, the available evidence is currently insufficient to determine the role of this variant in disease. Therefore, it has been classified as a Variant of Uncertain Significance. Algorithms developed to predict the effect of missense changes on protein structure and function output the following: SIFT: "Not Available"; PolyPhen-2: "Benign"; Align-GVGD: "Not Available". The alanine amino acid residue is found in multiple mammalian species, which suggests that this missense change does not adversely affect protein function. This variant has not been reported in the literature in individuals affected with NCSTN-related conditions. This variant is not present in population databases (gnomAD no frequency). This sequence change replaces glycine, which is neutral and non-polar, with alanine, which is neutral and non-polar, at codon 9 of the NCSTN protein (p.Gly9Ala).

NM_015331.3(NCSTN):c.26G>C (p.Gly9Ala)

Gene: NCSTN (nicastrin; plus strand). Cytogenetic location: 1q23.2.
Variant type: single nucleotide variant.
Coding change: c.26G>C on transcript NM_015331.3 (MANE Select); coding-DNA position 26, G replaced by C.
Protein change: p.Gly9Ala; replaces glycine 9 with alanine.
Molecular consequence: missense variant. On other transcripts: 5 prime UTR variant (1).
Genome position (GRCh38, 1-based): chr1:160,343,422, G>C. VCF-style: chr1-160343422-G-C. GRCh37 (hg19) VCF-style: chr1-160313212-G-C.
Other names: c.-174G>C (NM_001290184.2); c.26G>C, p.Gly9Ala (NM_001290186.2, NM_001349729.2); short protein forms G9A.
Identifiers: ClinVar variation 2748337 (VCV002748337.3), dbSNP rs1041921165, ClinGen allele CA31530008.